The following is an entry in ClinVar:

ClinVar aggregate classification (germline): Uncertain significance (1 of 4 stars; one submission).

Allele frequency attached by ClinVar (database versions not stated): gnomAD 0.00013; ExAC 0.00022; TOPMed 0.00024; gnomAD exomes 0.00030; ESP Exome Variant Server 0.00033.
gnomAD v4.1: 450 of 1,613,090 alleles (0.028%); highest among the groups gnomAD compares: Non-Finnish European, 0.035%; 2 homozygotes.

Submission:

GeneDx
Classification: Uncertain significance. Last evaluated: 2022-07-15. Review status: criteria provided, single submitter. Criteria: GeneDx Variant Classification Process June 2021. Collection method: clinical testing. Allele origin: germline. Affected: yes.
Comment: Nonsense variant predicted to result in protein truncation or nonsense mediated decay in a gene or region of a gene for which loss of function is not a well-established mechanism of disease; Has not been previously published as pathogenic or benign to our knowledge; Variants in candidate genes are classified as variants of uncertain significance in accordance with ACMG guidelines (Richards et al., 2015)

NM_018897.3(DNAH7):c.5515C>T (p.Arg1839Ter)

Gene: DNAH7 (dynein axonemal heavy chain 7; minus strand). Cytogenetic location: 2q32.3.
Variant type: single nucleotide variant.
Coding change: c.5515C>T on transcript NM_018897.3 (MANE Select); coding-DNA position 5515, C replaced by T.
Protein change: p.Arg1839Ter; replaces arginine 1839 with a stop codon.
Molecular consequence: nonsense.
Genome position (GRCh38, 1-based): chr2:195,886,164, G>A on the plus strand (C>T on the coding strand, the complement: DNAH7 is on the minus strand). VCF-style: chr2-195886164-G-A. GRCh37 (hg19) VCF-style: chr2-196750888-G-A.
Other names: short protein forms R1839*.
Identifiers: ClinVar variation 3252380 (VCV003252380.1), dbSNP rs201737013.